The following is an entry in ClinVar:

ClinVar aggregate classification (germline): Pathogenic (1 of 4 stars; one submission).

Conditions:
Hereditary cancer-predisposing syndrome. Also called: Neoplastic Syndromes, Hereditary; Tumor predisposition; Hereditary Cancer Syndrome; Hereditary neoplastic syndrome. Identifiers: Orphanet 140162, MedGen C0027672, MeSH D009386, MONDO:0015356.

Submission:

Ambry Genetics
Classification: Pathogenic for Hereditary cancer-predisposing syndrome. Last evaluated: 2025-11-06. Review status: criteria provided, single submitter. Criteria: Ambry Variant Classification Scheme 2023. Collection method: clinical testing. Allele origin: germline.
Comment: The c.4493_4494delTT pathogenic mutation, located in coding exon 22 of the DICER1 gene, results from a deletion of two nucleotides at nucleotide positions 4493 to 4494, causing a translational frameshift with a predicted alternate stop codon (p.F1498*). This variant is considered to be rare based on population cohorts in the Genome Aggregation Database (gnomAD). This alteration is expected to result in loss of function by premature protein truncation or nonsense-mediated mRNA decay. As such, this alteration is interpreted as a disease-causing mutation.

NM_177438.3(DICER1):c.4493_4494del (p.Asp1497_Phe1498insTer)

Gene: DICER1 (dicer 1, ribonuclease III; minus strand). Cytogenetic location: 14q32.13.
Variant type: Deletion.
Coding change: c.4493_4494del on transcript NM_177438.3 (MANE Select); coding-DNA positions 4493 to 4494, 2 bases deleted (TT; older notation c.4493_4494delTT).
Protein change: p.Asp1497_Phe1498insTer.
Molecular consequence: nonsense. On other transcripts: non-coding transcript variant (6), frameshift variant (1).
Genome position (GRCh38, 1-based): chr14:95,096,426-95,096,427, AA deleted on the plus strand (TT on the coding strand, the reverse complement: DICER1 is on the minus strand); deleting any 2 consecutive bases within chr14:95,096,426-95,096,429 gives the same sequence; the c. name uses the placement nearest the transcript's 3' end. VCF-style (leftmost placement, unchanged base first): chr14-95096425-CAA-C. GRCh37 (hg19) VCF-style: chr14-95562762-CAA-C.
Other names: c.4493_4494del, p.Asp1497_Phe1498insTer (NM_001195573.1, NM_001271282.3, NM_001291628.2 and 12 more transcripts); c.4211_4212del, p.Asp1403_Phe1404insTer (NM_001395686.1); c.4088_4089del, p.Asp1362_Phe1363insTer (NM_001395687.1, NM_001395688.1, NM_001395689.1 and 2 more transcripts); c.3926_3927del, p.Asp1308_Phe1309insTer (NM_001395691.1); c.2810_2811del, p.Asp936_Phe937insTer (NM_001395697.1); c.4493_4494delTT (NM_177438.2).
Identifiers: ClinVar variation 4637493 (VCV004637493.1).